The following is an entry in ClinVar:

NM_001081.4(CUBN):c.8049G>T (p.Lys2683Asn)

Gene: CUBN (cubilin; minus strand). Cytogenetic location: 10p13.
Variant type: single nucleotide variant.
Coding change: c.8049G>T on transcript NM_001081.4 (MANE Select); coding-DNA position 8049, G replaced by T.
Protein change: p.Lys2683Asn; replaces lysine 2683 with asparagine.
Molecular consequence: missense variant.
Genome position (GRCh38, 1-based): chr10:16,903,979, C>A on the plus strand (G>T on the coding strand, the complement: CUBN is on the minus strand). VCF-style: chr10-16903979-C-A. GRCh37 (hg19) VCF-style: chr10-16945978-C-A.
Other names: short protein forms K2683N.
Identifiers: ClinVar variation 2162147 (VCV002162147.2), dbSNP rs369344091, ClinGen allele CA5423165.
Genomic context (GRCh38, chr10:16,903,979, plus strand): 5'-TTAATCTTTATAAGTAATTTTATCAAGATCTTAATTATAATTCTTACCTGTAAAGGAATA[C>A]TTTGCATGGAATCCAATGTGTTCTACACGTTCGTTGGTGACAAAGTGAATCCATACCTGA-3'
Protein context (NP_001072.2, residues 2673-2693): ERVEHIGFHA[Lys2683Asn]YSFTDCGGIQ

ClinVar aggregate classification (germline): Uncertain significance. Review status: criteria provided, multiple submitters, no conflicts (2 of 4 stars). 2 submissions from 2 submitters: Uncertain significance (2). Last evaluated 2025-06-29.

Conditions:
Imerslund-Grasbeck syndrome. Also called: Imerslund-Gräsbeck syndrome; PERNICIOUS ANEMIA, JUVENILE, DUE TO SELECTIVE INTESTINAL MALABSORPTION OF VITAMIN B12, WITH PROTEINURIA; Megaloblastic anemia due to inborn errors of metabolism; ENTEROCYTE COBALAMIN MALABSORPTION; ENTEROCYTE INTRINSIC FACTOR RECEPTOR, DEFECT OF. Identifiers: Orphanet 35858, MedGen C4551825, MONDO:0009853.
Inborn genetic diseases. Identifiers: MedGen C0950123, MeSH D030342.

Allele frequency attached by ClinVar (database versions not stated): gnomAD exomes 0.00003; ExAC 0.00003; gnomAD 0.00003.
gnomAD v4.1: 48 of 1,609,966 alleles (0.003%); highest among the groups gnomAD compares: Non-Finnish European, 0.0039%; no homozygotes.

Submissions (2):

Ambry Genetics
Classification: Uncertain significance for Inborn genetic diseases. Last evaluated: 2025-06-29. Review status: criteria provided, single submitter. Criteria: Ambry Variant Classification Scheme 2023. Collection method: clinical testing. Allele origin: germline.

Labcorp Genetics (formerly Invitae), Labcorp
Classification: Uncertain significance for Imerslund-Grasbeck syndrome. Last evaluated: 2022-03-22. Review status: criteria provided, single submitter. Criteria: Invitae Variant Classification Sherloc (09022015). Collection method: clinical testing. Allele origin: germline.
Comment: This sequence change replaces lysine, which is basic and polar, with asparagine, which is neutral and polar, at codon 2683 of the CUBN protein (p.Lys2683Asn). This variant is present in population databases (rs369344091, gnomAD 0.007%). This variant has not been reported in the literature in individuals affected with CUBN-related conditions. Algorithms developed to predict the effect of missense changes on protein structure and function (SIFT, PolyPhen-2, Align-GVGD) all suggest that this variant is likely to be tolerated. In summary, the available evidence is currently insufficient to determine the role of this variant in disease. Therefore, it has been classified as a Variant of Uncertain Significance.